The following is an entry in ClinVar:

ClinVar aggregate classification (germline): Uncertain significance (1 of 4 stars; one submission).

Submission:

Labcorp Genetics (formerly Invitae), Labcorp
Classification: Uncertain significance. Last evaluated: 2022-07-30. Review status: criteria provided, single submitter. Criteria: Invitae Variant Classification Sherloc (09022015). Collection method: clinical testing. Allele origin: germline.
Comment: In summary, the available evidence is currently insufficient to determine the role of this variant in disease. Therefore, it has been classified as a Variant of Uncertain Significance. Advanced modeling of protein sequence and biophysical properties (such as structural, functional, and spatial information, amino acid conservation, physicochemical variation, residue mobility, and thermodynamic stability) performed at Invitae indicates that this missense variant is not expected to disrupt ADCY5 protein function. This sequence change replaces glycine, which is neutral and non-polar, with alanine, which is neutral and non-polar, at codon 125 of the ADCY5 protein (p.Gly125Ala). The frequency data for this variant in the population databases is considered unreliable, as metrics indicate insufficient coverage at this position in the gnomAD database. This missense change has been observed in individual(s) with clinical features of dystonia and related disorders (Invitae).

NM_183357.3(ADCY5):c.374G>C (p.Gly125Ala)

Gene: ADCY5 (adenylate cyclase 5; minus strand). Cytogenetic location: 3q21.1.
Variant type: single nucleotide variant.
Coding change: c.374G>C on transcript NM_183357.3 (MANE Select); coding-DNA position 374, G replaced by C.
Protein change: p.Gly125Ala; replaces glycine 125 with alanine.
Molecular consequence: missense variant.
Genome position (GRCh38, 1-based): chr3:123,448,172, C>G on the plus strand (G>C on the coding strand, the complement: ADCY5 is on the minus strand). VCF-style: chr3-123448172-C-G. GRCh37 (hg19) VCF-style: chr3-123167019-C-G.
Other names: c.374G>C, p.Gly125Ala (NM_001378259.1); short protein forms G125A.
Identifiers: ClinVar variation 1714599 (VCV001714599.5), dbSNP rs1260931979, ClinGen allele CA354358174.